The following is an entry in ClinVar:

NM_001099857.5(IKBKG):c.946A>G (p.Arg316Gly)

Gene: IKBKG (inhibitor of nuclear factor kappa B kinase regulatory subunit gamma; plus strand). Cytogenetic location: Xq28.
Variant type: single nucleotide variant.
Coding change: c.946A>G on transcript NM_001099857.5 (MANE Select); coding-DNA position 946, A replaced by G.
Protein change: p.Arg316Gly; replaces arginine 316 with glycine.
Molecular consequence: missense variant. On other transcripts: non-coding transcript variant (1).
Genome position (GRCh38, 1-based): chrX:154,563,592, A>G. VCF-style: chrX-154563592-A-G. GRCh37 (hg19) VCF-style: chrX-153791807-A-G.
Other names: c.1150A>G, p.Arg384Gly (NM_001099856.6); c.649A>G, p.Arg217Gly (NM_001145255.4); c.946A>G, p.Arg316Gly (NM_001321396.3, NM_001377312.1, NM_003639.4); c.943A>G, p.Arg315Gly (NM_001321397.3, NM_001377313.1); c.790A>G, p.Arg264Gly (NM_001377314.1); c.577A>G, p.Arg193Gly (NM_001377315.1); short protein forms R193G, R217G, R264G, R315G, R316G, R384G.
Identifiers: ClinVar variation 4975891 (VCV004975891.1).

ClinVar aggregate classification (germline): Uncertain significance (1 of 4 stars; one submission).

Submission:

GeneDx
Classification: Uncertain significance. Last evaluated: 2026-01-29. Review status: criteria provided, single submitter. Criteria: GeneDx Variant Classification Process June 2021. Collection method: clinical testing. Allele origin: germline.
Comment: In silico analysis supports that this missense variant has a deleterious effect on protein structure/function; This variant is associated with the following publications: (PMID: 37929815)